The following is an entry in ClinVar:

NM_002226.5(JAG2):c.1649G>A (p.Arg550His)

Gene: JAG2 (jagged canonical Notch ligand 2; minus strand). Cytogenetic location: 14q32.33.
Variant type: single nucleotide variant.
Coding change: c.1649G>A on transcript NM_002226.5 (MANE Select); coding-DNA position 1649, G replaced by A.
Protein change: p.Arg550His; replaces arginine 550 with histidine.
Molecular consequence: missense variant.
Genome position (GRCh38, 1-based): chr14:105,149,274, C>T on the plus strand (G>A on the coding strand, the complement: JAG2 is on the minus strand). VCF-style: chr14-105149274-C-T. GRCh37 (hg19) VCF-style: chr14-105615611-C-T.
Other names: c.1535G>A, p.Arg512His (NM_145159.3); short protein forms R512H, R550H.
Identifiers: ClinVar variation 3602377 (VCV003602377.1).

ClinVar aggregate classification (germline): Uncertain significance (1 of 4 stars; one submission).

gnomAD v4.1: 67 of 1,612,592 alleles (0.0042%); highest among the groups gnomAD compares: African/African-American, 0.012%; no homozygotes.

Submission:

GeneDx
Classification: Uncertain significance. Last evaluated: 2024-08-01. Review status: criteria provided, single submitter. Criteria: GeneDx Variant Classification Process June 2021. Collection method: clinical testing. Allele origin: germline. Affected: yes.
Comment: In silico analysis indicates that this missense variant does not alter protein structure/function; Has not been previously published as pathogenic or benign to our knowledge